The following is an entry in ClinVar:

NM_004104.5(FASN):c.4903G>A (p.Asp1635Asn)

Gene: FASN (fatty acid synthase; minus strand). Cytogenetic location: 17q25.3.
Variant type: single nucleotide variant.
Coding change: c.4903G>A on transcript NM_004104.5 (MANE Select); coding-DNA position 4903, G replaced by A.
Protein change: p.Asp1635Asn; replaces aspartic acid 1635 with asparagine.
Molecular consequence: missense variant.
Genome position (GRCh38, 1-based): chr17:82,084,250, C>T on the plus strand (G>A on the coding strand, the complement: FASN is on the minus strand). VCF-style: chr17-82084250-C-T. GRCh37 (hg19) VCF-style: chr17-80042126-C-T.
Other names: short protein forms D1635N.
Identifiers: ClinVar variation 841893 (VCV000841893.7), dbSNP rs780442372, ClinGen allele CA8851906.
Genomic context (GRCh38, chr17:82,084,250, plus strand): 5'-CGCCATCCACGTGGGGCCCAGGCTCACACCCTCGACACACTCACCAGTTGGAAGGCACAT[C>T]CCAGAGGAAGTCCGGTGACAGCAGGACAGAGGTGGCCAGGCCCTTGGCAGGCACCAGTCC-3'
Protein context (NP_004095.4, residues 1625-1645): SVLLSPDFLW[Asp1635Asn]VPSNWTLEEA

ClinVar aggregate classification (germline): Uncertain significance (1 of 4 stars; one submission).

Conditions:
Epileptic encephalopathy. Identifiers: MedGen C0543888, HP:0200134.

Allele frequency attached by ClinVar (database versions not stated): ExAC 0.00001; gnomAD exomes 0.00001; TOPMed 0.00001.
gnomAD v4.1: 4 of 1,612,078 alleles (0.00025%); highest among the groups gnomAD compares: Admixed American, 0.0067%; no homozygotes.

Submission:

Labcorp Genetics (formerly Invitae), Labcorp
Classification: Uncertain significance for Epileptic encephalopathy. Last evaluated: 2024-04-05. Review status: criteria provided, single submitter. Criteria: Invitae Variant Classification Sherloc (09022015). Collection method: clinical testing. Allele origin: germline.
Comment: This sequence change replaces aspartic acid, which is acidic and polar, with asparagine, which is neutral and polar, at codon 1635 of the FASN protein (p.Asp1635Asn). This variant is present in population databases (rs780442372, gnomAD 0.009%). This variant has not been reported in the literature in individuals affected with FASN-related conditions. ClinVar contains an entry for this variant (Variation ID: 841893). An algorithm developed to predict the effect of missense changes on protein structure and function (PolyPhen-2) suggests that this variant is likely to be tolerated. In summary, the available evidence is currently insufficient to determine the role of this variant in disease. Therefore, it has been classified as a Variant of Uncertain Significance.